The following is an entry in ClinVar:

ClinVar aggregate classification (germline): Uncertain significance (1 of 4 stars; one submission).

Conditions:
Cortical dysplasia-focal epilepsy syndrome (PTHSL1). Also called: Pitt-Hopkins-like syndrome 1. Identifiers: Orphanet 163681, Orphanet 221150, MedGen C2750246, MONDO:0012400, OMIM 610042.

Submission:

Labcorp Genetics (formerly Invitae), Labcorp
Classification: Uncertain significance for Cortical dysplasia-focal epilepsy syndrome. Last evaluated: 2024-10-22. Review status: criteria provided, single submitter. Criteria: Invitae Variant Classification Sherloc (09022015). Collection method: clinical testing. Allele origin: germline.
Comment: This variant, c.306_308dup, results in the insertion of 1 amino acid(s) of the CNTNAP2 protein (p.Arg103dup), but otherwise preserves the integrity of the reading frame. This variant is not present in population databases (gnomAD no frequency). This variant has not been reported in the literature in individuals affected with CNTNAP2-related conditions. ClinVar contains an entry for this variant (Variation ID: 1993690). In summary, the available evidence is currently insufficient to determine the role of this variant in disease. Therefore, it has been classified as a Variant of Uncertain Significance.

NM_014141.6(CNTNAP2):c.306_308dup (p.Arg103_Tyr104insArg)

Gene: CNTNAP2 (contactin associated protein 2; plus strand). Cytogenetic location: 7q35.
Variant type: Duplication.
Coding change: c.306_308dup on transcript NM_014141.6 (MANE Select); coding-DNA positions 306 to 308, 3 bases duplicated (AAG; older notation c.306_308dupAAG).
Protein change: p.Arg103_Tyr104insArg.
Molecular consequence: inframe insertion.
Genome position (GRCh38, 1-based): chr7:146,839,808-146,839,810, AAG duplicated; duplicating any 3 consecutive bases within chr7:146,839,807-146,839,810 gives the same sequence; the c. name uses the placement nearest the transcript's 3' end. VCF-style (leftmost placement, unchanged base first): chr7-146839806-G-GGAA. GRCh37 (hg19) VCF-style: chr7-146536898-G-GGAA.
Identifiers: ClinVar variation 1993690 (VCV001993690.4), dbSNP rs2485654940, ClinGen allele CA2579053948.
Genomic context (GRCh38, chr7:146,839,806, plus strand): 5'-TATCAATGGCTTCAGGTTGACTTTGGCAATCGGAAGCAGATCAGTGCCATTGCAACCCAA[G>GGAA]GAAGGTATAGCAGCTCAGATTGGGTGACCCAATACCGGATGCTCTACAGCGACACAGGGA-3'